The following is an entry in ClinVar:

NM_016653.3(MAP3K20):c.490A>T (p.Met164Leu)

Gene: MAP3K20 (mitogen-activated protein kinase kinase kinase 20; plus strand). Cytogenetic location: 2q31.1.
Variant type: single nucleotide variant.
Coding change: c.490A>T on transcript NM_016653.3 (MANE Select); coding-DNA position 490, A replaced by T.
Protein change: p.Met164Leu; replaces methionine 164 with leucine.
Molecular consequence: missense variant.
Genome position (GRCh38, 1-based): chr2:173,191,085, A>T. VCF-style: chr2-173191085-A-T. GRCh37 (hg19) VCF-style: chr2-174055813-A-T.
Other names: c.490A>T, p.Met164Leu (NM_133646.3); short protein forms M164L.
Identifiers: ClinVar variation 1447669 (VCV001447669.6), dbSNP rs1279268406, ClinGen allele CA349313183.

ClinVar aggregate classification (germline): Uncertain significance (1 of 4 stars; one submission).

Submission:

Labcorp Genetics (formerly Invitae), Labcorp
Classification: Uncertain significance. Last evaluated: 2021-08-12. Review status: criteria provided, single submitter. Criteria: Invitae Variant Classification Sherloc (09022015). Collection method: clinical testing. Allele origin: germline.
Comment: In summary, the available evidence is currently insufficient to determine the role of this variant in disease. Therefore, it has been classified as a Variant of Uncertain Significance. Experimental studies and prediction algorithms are not available or were not evaluated, and the functional significance of this variant is currently unknown. This variant has not been reported in the literature in individuals affected with MAP3K20-related conditions. This variant is not present in population databases (ExAC no frequency). This sequence change replaces methionine with leucine at codon 164 of the MAP3K20 protein (p.Met164Leu). The methionine residue is highly conserved and there is a small physicochemical difference between methionine and leucine.